The following is an entry in ClinVar:

NM_017934.7(PHIP):c.3957A>T (p.Gln1319His)

Genes: IRAK1BP1 (interleukin 1 receptor associated kinase 1 binding protein 1; plus strand), PHIP (PHIP subunit of CUL4-Ring ligase complex; minus strand). Cytogenetic location: 6q14.1.
Variant type: single nucleotide variant.
Coding change: c.3957A>T on transcript NM_017934.7 (MANE Select); coding-DNA position 3957, A replaced by T.
Protein change: p.Gln1319His; replaces glutamine 1319 with histidine.
Molecular consequence: missense variant.
Genome position (GRCh38, 1-based): chr6:78,954,910, T>A on the plus strand (A>T on the coding strand, the complement: PHIP is on the minus strand). VCF-style: chr6-78954910-T-A. GRCh37 (hg19) VCF-style: chr6-79664627-T-A.
Other names: c.3957A>T (NM_017934.6); short protein forms Q1319H.
Identifiers: ClinVar variation 2868234 (VCV002868234.5), dbSNP rs369182251, ClinGen allele CA141852271.

ClinVar aggregate classification (germline): Uncertain significance. Review status: criteria provided, multiple submitters, no conflicts (2 of 4 stars). 2 submissions from 2 submitters: Uncertain significance (2). Last evaluated 2025-06-17.

Conditions:
PHIP-related disorder. Also called: PHIP-related condition; PHIP-related disorders.

Allele frequency attached by ClinVar (database versions not stated): gnomAD 0.00001; gnomAD exomes 0.00004; ESP Exome Variant Server 0.00015.
gnomAD v4.1: 62 of 1,588,456 alleles (0.0039%); highest among the groups gnomAD compares: Middle Eastern, 0.017%; no homozygotes.

Submissions (2):

PreventionGenetics, part of Exact Sciences
Classification: Uncertain significance for PHIP-related condition. Last evaluated: 2025-06-17. Review status: criteria provided, single submitter. Criteria: ACMG Guidelines, 2015. Collection method: clinical testing. Allele origin: germline.
Comment: The PHIP c.3957A>T variant is predicted to result in the amino acid substitution p.Gln1319His. To our knowledge, this variant has not been reported in the literature. This variant is reported in 0.00081% of alleles in individuals of European (non-Finnish) descent in gnomAD; however, the quality of the data in v2 is questionable and should be treated with caution. In gnomAD v4, this variant meets quality standards and is reported in 0.00479% of alleles in individuals of European (non-Finnish) descent in gnomAD. Statistical evidence in gnomAD suggests the PHIP gene is intolerant of missense variation. At this time, the clinical significance of this variant is uncertain due to the absence of conclusive functional and genetic evidence.

Labcorp Genetics (formerly Invitae), Labcorp
Classification: Uncertain significance. Last evaluated: 2025-02-10. Review status: criteria provided, single submitter. Criteria: Invitae Variant Classification Sherloc (09022015). Collection method: clinical testing. Allele origin: germline.
Comment: This sequence change replaces glutamine, which is neutral and polar, with histidine, which is basic and polar, at codon 1319 of the PHIP protein (p.Gln1319His). This variant is present in population databases (rs369182251, gnomAD 0.0008%). This variant has not been reported in the literature in individuals affected with PHIP-related conditions. ClinVar contains an entry for this variant (Variation ID: 2868234). Invitae Evidence Modeling of protein sequence and biophysical properties (such as structural, functional, and spatial information, amino acid conservation, physicochemical variation, residue mobility, and thermodynamic stability) indicates that this missense variant is not expected to disrupt PHIP protein function with a negative predictive value of 95%. In summary, the available evidence is currently insufficient to determine the role of this variant in disease. Therefore, it has been classified as a Variant of Uncertain Significance.